The following is an entry in ClinVar:

NM_030665.4(RAI1):c.4708C>T (p.Pro1570Ser)

Gene: RAI1 (retinoic acid induced 1; plus strand). Cytogenetic location: 17p11.2.
Variant type: single nucleotide variant.
Coding change: c.4708C>T on transcript NM_030665.4 (MANE Select); coding-DNA position 4708, C replaced by T.
Protein change: p.Pro1570Ser; replaces proline 1570 with serine.
Molecular consequence: missense variant.
Genome position (GRCh38, 1-based): chr17:17,797,656, C>T. VCF-style: chr17-17797656-C-T. GRCh37 (hg19) VCF-style: chr17-17700970-C-T.
Other names: short protein forms P1570S.
Identifiers: ClinVar variation 4771007 (VCV004771007.1).

ClinVar aggregate classification (germline): Uncertain significance (1 of 4 stars; one submission).

Submission:

Labcorp Genetics (formerly Invitae), Labcorp
Classification: Uncertain significance. Last evaluated: 2025-11-27. Review status: criteria provided, single submitter. Criteria: Invitae Variant Classification Sherloc (09022015). Collection method: clinical testing. Allele origin: germline.
Comment: This sequence change replaces proline, which is neutral and non-polar, with serine, which is neutral and polar, at codon 1570 of the RAI1 protein (p.Pro1570Ser). This variant is not present in population databases (gnomAD no frequency). This variant has not been reported in the literature in individuals affected with RAI1-related conditions. Invitae Evidence Modeling of protein sequence and biophysical properties (such as structural, functional, and spatial information, amino acid conservation, physicochemical variation, residue mobility, and thermodynamic stability) indicates that this missense variant is expected to disrupt RAI1 protein function with a positive predictive value of 80%. In summary, the available evidence is currently insufficient to determine the role of this variant in disease. Therefore, it has been classified as a Variant of Uncertain Significance.